The following is an entry in ClinVar:

NM_001127178.3(PIGG):c.884C>T (p.Ala295Val)

Gene: PIGG (phosphatidylinositol glycan anchor biosynthesis class G (EMM blood group); plus strand). Cytogenetic location: 4p16.3.
Variant type: single nucleotide variant.
Coding change: c.884C>T on transcript NM_001127178.3 (MANE Select); coding-DNA position 884, C replaced by T.
Protein change: p.Ala295Val; replaces alanine 295 with valine.
Molecular consequence: missense variant. On other transcripts: 5 prime UTR variant (3), non-coding transcript variant (10), intron variant (1).
Genome position (GRCh38, 1-based): chr4:508,953, C>T. VCF-style: chr4-508953-C-T. GRCh37 (hg19) VCF-style: chr4-502742-C-T.
Other names: c.617C>T, p.Ala206Val (NM_001289051.2, NM_001289053.2, NM_001289057.2 and 2 more transcripts); c.485C>T, p.Ala162Val (NM_001289052.2); c.518C>T, p.Ala173Val (NM_001289055.2); c.884C>T, p.Ala295Val (NM_001345989.2, NM_017733.5); c.-742C>T (NM_001345990.2); c.-604C>T (NM_001345991.2); c.-329C>T (NM_001345994.2); c.-129+1360C>T (NM_001345988.2); short protein forms A295V, A162V, A173V, A206V.
Identifiers: ClinVar variation 1472161 (VCV001472161.8), dbSNP rs1294170424, ClinGen allele CA355900184.

ClinVar aggregate classification (germline): Uncertain significance (1 of 4 stars; one submission).

Conditions:
Intellectual disability, autosomal recessive 53 (NEDHSCA). Also called: GLYCOSYLPHOSPHATIDYLINOSITOL BIOSYNTHESIS DEFECT 13; Mental retardation, autosomal recessive 53; NEURODEVELOPMENTAL DISORDER WITH OR WITHOUT HYPOTONIA, SEIZURES, AND CEREBELLAR ATROPHY. Identifiers: Orphanet 488635, MedGen C4310794, MONDO:0014832, OMIM 616917.

Allele frequency attached by ClinVar (database versions not stated): gnomAD exomes below 0.00001; TOPMed below 0.00001.
gnomAD v4.1: 25 of 1,611,866 alleles (0.0016%); highest among the groups gnomAD compares: South Asian, 0.0022%; no homozygotes.

Submission:

Labcorp Genetics (formerly Invitae), Labcorp
Classification: Uncertain significance for Intellectual disability, autosomal recessive 53. Last evaluated: 2021-06-23. Review status: criteria provided, single submitter. Criteria: Invitae Variant Classification Sherloc (09022015). Collection method: clinical testing. Allele origin: germline.
Comment: This sequence change replaces alanine with valine at codon 295 of the PIGG protein (p.Ala295Val). The alanine residue is moderately conserved and there is a small physicochemical difference between alanine and valine. In summary, the available evidence is currently insufficient to determine the role of this variant in disease. Therefore, it has been classified as a Variant of Uncertain Significance. Algorithms developed to predict the effect of missense changes on protein structure and function are either unavailable or do not agree on the potential impact of this missense change (SIFT: "Tolerated"; PolyPhen-2: "Possibly Damaging"; Align-GVGD: "Class C0"). This variant has not been reported in the literature in individuals with PIGG-related conditions. This variant is not present in population databases (ExAC no frequency).